The following is an entry in ClinVar:

NM_001042492.3(NF1):c.4204A>T (p.Ile1402Phe)

Gene: NF1 (neurofibromin 1; plus strand). Cytogenetic location: 17q11.2.
Variant type: single nucleotide variant.
Coding change: c.4204A>T on transcript NM_001042492.3 (MANE Select); coding-DNA position 4204, A replaced by T.
Protein change: p.Ile1402Phe; replaces isoleucine 1402 with phenylalanine.
Molecular consequence: missense variant.
Genome position (GRCh38, 1-based): chr17:31,258,374, A>T. VCF-style: chr17-31258374-A-T. GRCh37 (hg19) VCF-style: chr17-29585392-A-T.
Other names: c.4141A>T, p.Ile1381Phe (NM_000267.4); short protein forms I1381F, I1402F.
Identifiers: ClinVar variation 1738171 (VCV001738171.4), dbSNP rs1266004840, ClinGen allele CA398997653.
Genomic context (GRCh38, chr17:31,258,374, plus strand): 5'-TATACTCAATTCTCAACTCCTTGTTTTTAGGTGGTTAGCCAGCGTTTCCCTCAGAACAGC[A>T]TCGGTGCAGTAGGAAGTGCCATGTTCCTCAGATTTATCAATCCTGCCATTGTCTCACCGT-3'
Protein context (NP_001035957.1, residues 1392-1412): VVSQRFPQNS[Ile1402Phe]GAVGSAMFLR

ClinVar aggregate classification (germline): Uncertain significance. Review status: criteria provided, multiple submitters, no conflicts (2 of 4 stars). 2 submissions from 2 submitters: Uncertain significance (2). Last evaluated 2025-02-02.

Conditions:
Cardiovascular phenotype. Identifiers: MedGen CN230736.
Hereditary cancer-predisposing syndrome. Also called: Neoplastic Syndromes, Hereditary; Tumor predisposition; Hereditary Cancer Syndrome; Hereditary neoplastic syndrome. Identifiers: Orphanet 140162, MedGen C0027672, MeSH D009386, MONDO:0015356.
Neurofibromatosis, type 1 (NF1). Also called: VON RECKLINGHAUSEN DISEASE; NEUROFIBROMATOSIS, TYPE I, SOMATIC; Neurofibromatosis, type I; Peripheral type neurofibromatosis. Identifiers: Orphanet 636, MedGen C0027831, MONDO:0018975, OMIM 162200. Disease mechanism: loss of function.

Submissions (2):

Labcorp Genetics (formerly Invitae), Labcorp
Classification: Uncertain significance for Neurofibromatosis, type 1. Last evaluated: 2025-02-02. Review status: criteria provided, single submitter. Criteria: Invitae Variant Classification Sherloc (09022015). Collection method: clinical testing. Allele origin: germline.
Comment: This sequence change replaces isoleucine, which is neutral and non-polar, with phenylalanine, which is neutral and non-polar, at codon 1381 of the NF1 protein (p.Ile1381Phe). This variant is not present in population databases (gnomAD no frequency). This variant has not been reported in the literature in individuals affected with NF1-related conditions. ClinVar contains an entry for this variant (Variation ID: 1738171). Invitae Evidence Modeling of protein sequence and biophysical properties (such as structural, functional, and spatial information, amino acid conservation, physicochemical variation, residue mobility, and thermodynamic stability) indicates that this missense variant is expected to disrupt NF1 protein function with a positive predictive value of 95%. In summary, the available evidence is currently insufficient to determine the role of this variant in disease. Therefore, it has been classified as a Variant of Uncertain Significance.

Ambry Genetics
Classification: Uncertain significance for Cardiovascular phenotype; Hereditary cancer-predisposing syndrome. Last evaluated: 2020-09-30. Review status: criteria provided, single submitter. Criteria: Ambry Variant Classification Scheme 2023. Collection method: clinical testing. Allele origin: germline.
Comment: The p.I1381F variant (also known as c.4141A>T), located in coding exon 31 of the NF1 gene, results from an A to T substitution at nucleotide position 4141. The isoleucine at codon 1381 is replaced by phenylalanine, an amino acid with highly similar properties. This amino acid position is highly conserved in available vertebrate species. In addition, this alteration is predicted to be deleterious by in silico analysis. Since supporting evidence is limited at this time, the clinical significance of this alteration remains unclear.